The following is an entry in ClinVar:

ClinVar aggregate classification (germline): Conflicting classifications of pathogenicity. Review status: criteria provided, conflicting classifications (1 of 4 stars). 11 submissions from 6 submitters: Uncertain significance (4); Benign (5); Likely benign (1). 1 of the submissions does not count toward it. Last evaluated 2024-12-20.

Conditions:
Cone-rod dystrophy. Also called: Cone/cone-rod dystrophy; Cone-rod degeneration. Identifiers: Orphanet 1872, MedGen C4085590, MONDO:0015993, HP:0000548.
Adult-onset foveomacular vitelliform dystrophy. Also called: FOVEOMACULAR DYSTROPHY, ADULT-ONSET, WITH OR WITHOUT CHOROIDAL NEOVASCULARIZATION; FOVEOMACULAR DYSTROPHY, ADULT-ONSET; Adult onset vitelliform dystrophy. Identifiers: Orphanet 99000, MedGen C1842914, MONDO:0011979.
Patterned macular dystrophy 1. Also called: BUTTERFLY DYSTROPHY OF RETINAL PIGMENT EPITHELIUM; MACULAR DYSTROPHY, BUTTERFLY-SHAPED PIGMENTARY. Identifiers: Orphanet 99001, MedGen C4551999, MONDO:0008210, OMIM 169150.
Retinal dystrophy. Also called: Inherited retinal dystrophy. Identifiers: Orphanet 71862, MedGen C0854723, MeSH D058499, MONDO:0019118, HP:0000556.
Retinitis pigmentosa (RP). Identifiers: Orphanet 791, MedGen C0035334, MeSH D012174, MONDO:0019200, OMIM 268000. Inheritance: Autosomal dominant, autosomal recessive and X linked inheritance.
Choroidal dystrophy, central areolar 2 (CACD2). Also called: MACULAR DYSTROPHY, PROGRESSIVE; Choriodal Dystrophy, Central Areolar 2. Identifiers: Orphanet 75377, MedGen C2751290, MONDO:0013137, OMIM 613105.
PRPH2-related disorder. Also called: PRPH2-related condition; PRPH2-related disorders. Identifiers: MedGen CN239395.
Pigmentary retinal dystrophy. Also called: Fundus albipunctatus. Identifiers: Orphanet 227796, Orphanet 52427, MedGen C0311338, MONDO:0007639, OMIM 136880, HP:0030642.

Allele frequency attached by ClinVar (database versions not stated): TOPMed 0.00001; gnomAD 0.00002; ExAC 0.00005; gnomAD exomes 0.00006; 1000 Genomes Project 30x 0.00016; 1000 Genomes Project 0.00020.
gnomAD v4.1: 55 of 1,614,120 alleles (0.0034%); highest among the groups gnomAD compares: East Asian, 0.12%; no homozygotes.

Submissions (11):

PreventionGenetics, part of Exact Sciences
Classification: Uncertain significance for PRPH2-related condition. Last evaluated: 2024-12-20. Review status: criteria provided, single submitter. Criteria: ACMG Guidelines, 2015. Collection method: clinical testing. Allele origin: germline.
Comment: The PRPH2 c.44A>G variant is predicted to result in the amino acid substitution p.Lys15Arg. This variant has been reported in individuals with inherited retinal disease (Arai et al. 2015. PubMed ID: 26161267; Table S2, Peeters et al. 2021. PubMed ID: 34411390). This variant is reported in 0.080% of alleles in individuals of East Asian descent in gnomAD, which is likely too frequent to be a primary cause of disease. Although we suspect that this variant may be benign, at this time, the clinical significance of this variant is uncertain due to the absence of conclusive functional and genetic evidence.

Labcorp Genetics (formerly Invitae), Labcorp
Classification: Likely benign for PRPH2-related disorder. Last evaluated: 2024-12-02. Review status: criteria provided, single submitter. Criteria: Invitae Variant Classification Sherloc (09022015). Collection method: clinical testing. Allele origin: germline.

Dept Of Ophthalmology, Nagoya University
Classification: Benign for Retinal dystrophy. Last evaluated: 2023-10-01. Review status: criteria provided, single submitter. Criteria: Submitter's publication. Collection method: research. Allele origin: germline. Affected: yes.

Blueprint Genetics
Classification: Uncertain significance. Last evaluated: 2022-09-29. Review status: criteria provided, single submitter. Criteria: ACMG Guidelines, 2015. Collection method: clinical testing. Allele origin: germline.

Illumina Laboratory Services, Illumina
Classification: Uncertain significance for Pigmentary retinal dystrophy. Last evaluated: 2017-09-07. Review status: criteria provided, single submitter. Criteria: ICSL Variant Classification Criteria 13 December 2019. Collection method: clinical testing. Allele origin: germline.

Illumina Laboratory Services, Illumina
Classification: Benign for Choroidal dystrophy, central areolar 2. Last evaluated: 2017-09-07. Review status: criteria provided, single submitter. Criteria: ICSL Variant Classification Criteria 13 December 2019. Collection method: clinical testing. Allele origin: germline.
Comment: This variant was observed as part of a predisposition screen in an ostensibly healthy population. A literature search was performed for the gene, cDNA change, and amino acid change (where applicable). No publications were found based on this search. Allele frequency data from public databases was too high to be consistent with this variant causing disease. Therefore, this variant is classified as benign.

Illumina Laboratory Services, Illumina
Classification: Benign for Vitelliform macular dystrophy 3. Last evaluated: 2017-09-07. Review status: criteria provided, single submitter. Criteria: ICSL Variant Classification Criteria 13 December 2019. Collection method: clinical testing. Allele origin: germline.
Comment: the same text as in the submission from Illumina Laboratory Services, Illumina above.

Illumina Laboratory Services, Illumina
Classification: Benign for Cone-rod dystrophy. Last evaluated: 2017-09-07. Review status: criteria provided, single submitter. Criteria: ICSL Variant Classification Criteria 13 December 2019. Collection method: clinical testing. Allele origin: germline.
Comment: the same text as in the submission from Illumina Laboratory Services, Illumina above.

Illumina Laboratory Services, Illumina
Classification: Uncertain significance for Patterned macular dystrophy 1. Last evaluated: 2017-09-07. Review status: criteria provided, single submitter. Criteria: ICSL Variant Classification Criteria 13 December 2019. Collection method: clinical testing. Allele origin: germline.

Illumina Laboratory Services, Illumina
Classification: Benign for Retinitis pigmentosa. Last evaluated: 2017-09-07. Review status: criteria provided, single submitter. Criteria: ICSL Variant Classification Criteria 13 December 2019. Collection method: clinical testing. Allele origin: germline.
Comment: This variant was observed as part of a predisposition screen in an ostensibly healthy population. A literature search was performed for the gene, cDNA change, and amino acid change (where applicable). Publications were found based on this search. The evidence from the literature, in combination with allele frequency data from public databases where available, was sufficient to rule this variant out of causing disease. Therefore, this variant is classified as benign.

Leiden Open Variation Database
Classification: Uncertain significance. Last evaluated: 2021-04-06. Review status: no assertion criteria provided. Collection method: curation. Allele origin: germline. Affected: yes. Not counted in ClinVar's aggregate classification.
Comment: Curator: Global Variome, with Curator vacancy. Submitters to LOVD: Manon Peeters, Yoshito Koyanagi.

Literature cited by the submitters: PubMed 26161267 (cited by Illumina Laboratory Services, Illumina and Leiden Open Variation Database); PubMed 31213501 (cited by Leiden Open Variation Database).

NM_000322.5(PRPH2):c.44A>G (p.Lys15Arg)

Gene: PRPH2 (peripherin 2; minus strand). Cytogenetic location: 6p21.1.
Variant type: single nucleotide variant.
Coding change: c.44A>G on transcript NM_000322.5 (MANE Select); coding-DNA position 44, A replaced by G.
Protein change: p.Lys15Arg; replaces lysine 15 with arginine.
Molecular consequence: missense variant.
Genome position (GRCh38, 1-based): chr6:42,722,291, T>C on the plus strand (A>G on the coding strand, the complement: PRPH2 is on the minus strand). VCF-style: chr6-42722291-T-C. GRCh37 (hg19) VCF-style: chr6-42690029-T-C.
Other names: short protein forms K15R.
Identifiers: ClinVar variation 910955 (VCV000910955.13), dbSNP rs555112175, ClinGen allele CA3808674.